The following is an entry in ClinVar:

NM_001102564.3(IFT43):c.296-5612_296-5611insCTCAC

Gene: IFT43 (intraflagellar transport 43; plus strand). Cytogenetic location: 14q24.3.
Variant type: Insertion.
Coding change: c.296-5612_296-5611insCTCAC on transcript NM_001102564.3 (MANE Select); 5612 bases into the intron before coding-DNA position 296 through 5611 bases into the intron before coding-DNA position 296, CTCAC inserted.
Molecular consequence: intron variant. On other transcripts: frameshift variant (1).
Genome position: GRCh38 VCF-style: chr14-76076683-A-ACTCAC. GRCh37 (hg19) VCF-style: chr14-76543026-A-ACTCAC.
Other names: c.302_303insCTCAC, p.Glu101fs (NM_052873.3); short protein forms E101fs.
Identifiers: ClinVar variation 1452896 (VCV001452896.6), dbSNP rs1242125183, ClinGen allele CA615072043.

ClinVar aggregate classification (germline): Pathogenic (1 of 4 stars; one submission).

Allele frequency attached by ClinVar (database versions not stated): gnomAD exomes below 0.00001 and 0.00002; TOPMed 0.00001; gnomAD 0.00002.

Submission:

Labcorp Genetics (formerly Invitae), Labcorp
Classification: Pathogenic. Last evaluated: 2023-11-19. Review status: criteria provided, single submitter. Criteria: Invitae Variant Classification Sherloc (09022015). Collection method: clinical testing. Allele origin: germline.
Comment: This sequence change creates a premature translational stop signal (p.Glu101Aspfs*33) in the IFT43 gene. It is expected to result in an absent or disrupted protein product. Loss-of-function variants in IFT43 are known to be pathogenic (PMID: 21378380, 28400947). This variant is present in population databases (no rsID available, gnomAD 0.0009%). This variant has not been reported in the literature in individuals affected with IFT43-related conditions. ClinVar contains an entry for this variant (Variation ID: 1452896). For these reasons, this variant has been classified as Pathogenic.

Literature cited by the submitters: PubMed 21378380; PubMed 28400947.